The following is an entry in ClinVar:

ClinVar aggregate classification (germline): Uncertain significance. Review status: criteria provided, multiple submitters, no conflicts (2 of 4 stars). 2 submissions from 2 submitters: Uncertain significance (2). Last evaluated 2026-05-13.

Conditions:
Inborn genetic diseases. Identifiers: MedGen C0950123, MeSH D030342.

gnomAD v4.1: 2 of 1,614,184 alleles (0.00012%); highest among the groups gnomAD compares: Admixed American, 0.0017%; no homozygotes.

Submissions (2):

Ambry Genetics
Classification: Uncertain significance for Inborn genetic diseases. Last evaluated: 2026-05-13. Review status: criteria provided, single submitter. Criteria: Ambry Variant Classification Scheme 2023. Collection method: clinical testing. Allele origin: germline.
Comment: The p.D217G variant (also known as c.650A>G), located in coding exon 3 of the MBD4 gene, results from an A to G substitution at nucleotide position 650. The aspartic acid at codon 217 is replaced by glycine, an amino acid with similar properties. This amino acid position is not well conserved in available vertebrate species. In addition, this alteration is predicted to be tolerated by in silico analysis. Based on the available evidence, the clinical significance of this variant remains unclear.

Labcorp Genetics (formerly Invitae), Labcorp
Classification: Uncertain significance. Last evaluated: 2024-10-22. Review status: criteria provided, single submitter. Criteria: Invitae Variant Classification Sherloc (09022015). Collection method: clinical testing. Allele origin: germline.
Comment: This sequence change replaces aspartic acid, which is acidic and polar, with glycine, which is neutral and non-polar, at codon 217 of the MBD4 protein (p.Asp217Gly). This variant is present in population databases (rs779148384, gnomAD 0.003%). This variant has not been reported in the literature in individuals affected with MBD4-related conditions. An algorithm developed to predict the effect of missense changes on protein structure and function outputs the following: PolyPhen-2: "Benign". The glycine amino acid residue is found in multiple mammalian species, which suggests that this missense change does not adversely affect protein function. In summary, the available evidence is currently insufficient to determine the role of this variant in disease. Therefore, it has been classified as a Variant of Uncertain Significance.

NM_001276270.2(MBD4):c.650A>G (p.Asp217Gly)

Gene: MBD4 (methyl-CpG binding domain 4, DNA glycosylase; minus strand). Cytogenetic location: 3q21.3.
Variant type: single nucleotide variant.
Coding change: c.650A>G on transcript NM_001276270.2 (MANE Select); coding-DNA position 650, A replaced by G.
Protein change: p.Asp217Gly; replaces aspartic acid 217 with glycine.
Molecular consequence: missense variant. On other transcripts: intron variant (1).
Genome position (GRCh38, 1-based): chr3:129,436,994, T>C on the plus strand (A>G on the coding strand, the complement: MBD4 is on the minus strand). VCF-style: chr3-129436994-T-C. GRCh37 (hg19) VCF-style: chr3-129155837-T-C.
Other names: c.650A>G, p.Asp217Gly (NM_001276271.2, NM_001276272.2, NM_003925.3); c.247+814A>G (NM_001276273.2); short protein forms D217G.
Identifiers: ClinVar variation 3679876 (VCV003679876.3).